The following is an entry in ClinVar:

NM_000052.7(ATP7A):c.2662A>C (p.Thr888Pro)

Gene: ATP7A (ATPase copper transporting alpha; plus strand). Cytogenetic location: Xq21.1.
Variant type: single nucleotide variant.
Coding change: c.2662A>C on transcript NM_000052.7 (MANE Select); coding-DNA position 2662, A replaced by C.
Protein change: p.Thr888Pro; replaces threonine 888 with proline.
Molecular consequence: missense variant.
Genome position (GRCh38, 1-based): chrX:78,020,279, A>C. VCF-style: chrX-78020279-A-C. GRCh37 (hg19) VCF-style: chrX-77275776-A-C.
Other names: c.2428A>C, p.Thr810Pro (NM_001282224.2); short protein forms T810P, T888P.
Identifiers: ClinVar variation 2948605 (VCV002948605.3), dbSNP rs2522372520, ClinGen allele CA413602415.

ClinVar aggregate classification (germline): Uncertain significance (1 of 4 stars; one submission).

Conditions:
Menkes kinky-hair syndrome (MNK). Also called: Copper transport disease; Menkes Disease; Classic Menkes Disease. Identifiers: Orphanet 565, MedGen C0022716, MONDO:0010651, OMIM 309400.
Cutis laxa, X-linked (OHS). Also called: EDS IX; Occipital horn syndrome. Identifiers: Orphanet 198, MedGen C0268353, MONDO:0010572, OMIM 304150.
X-linked distal spinal muscular atrophy type 3. Also called: ATP7A-Related Distal Motor Neuropathy; SPINAL MUSCULAR ATROPHY, DISTAL, X-LINKED RECESSIVE; NEURONOPATHY, DISTAL HEREDITARY MOTOR, X-LINKED; NEUROPATHY, DISTAL HEREDITARY MOTOR, X-LINKED. Identifiers: Orphanet 139557, MedGen C1845359, MONDO:0010338, OMIM 300489.

Submission:

Labcorp Genetics (formerly Invitae), Labcorp
Classification: Uncertain significance for X-linked distal spinal muscular atrophy type 3; Cutis laxa, X-linked; Menkes kinky-hair syndrome. Last evaluated: 2023-06-05. Review status: criteria provided, single submitter. Criteria: Invitae Variant Classification Sherloc (09022015). Collection method: clinical testing. Allele origin: germline.
Comment: In summary, the available evidence is currently insufficient to determine the role of this variant in disease. Therefore, it has been classified as a Variant of Uncertain Significance. Advanced modeling of protein sequence and biophysical properties (such as structural, functional, and spatial information, amino acid conservation, physicochemical variation, residue mobility, and thermodynamic stability) performed at Invitae indicates that this missense variant is not expected to disrupt ATP7A protein function. This variant has not been reported in the literature in individuals affected with ATP7A-related conditions. This variant is not present in population databases (gnomAD no frequency). This sequence change replaces threonine, which is neutral and polar, with proline, which is neutral and non-polar, at codon 888 of the ATP7A protein (p.Thr888Pro).